The following is an entry in ClinVar:

ClinVar aggregate classification (germline): Uncertain significance (1 of 4 stars; one submission).

Submission:

Labcorp Genetics (formerly Invitae), Labcorp
Classification: Uncertain significance. Last evaluated: 2024-10-30. Review status: criteria provided, single submitter. Criteria: Invitae Variant Classification Sherloc (09022015). Collection method: clinical testing. Allele origin: germline.
Comment: This sequence change affects codon 198 of the GNMT mRNA. It is a 'silent' change, meaning that it does not change the encoded amino acid sequence of the GNMT protein. This variant also falls at the last nucleotide of exon 4, which is part of the consensus splice site for this exon. The frequency data for this variant in the population databases is considered unreliable, as metrics indicate poor data quality at this position in the gnomAD database. This variant has not been reported in the literature in individuals affected with GNMT-related conditions. Variants that disrupt the consensus splice site are a relatively common cause of aberrant splicing (PMID: 17576681, 9536098). Algorithms developed to predict the effect of sequence changes on RNA splicing suggest that this variant may disrupt the consensus splice site. In summary, the available evidence is currently insufficient to determine the role of this variant in disease. Therefore, it has been classified as a Variant of Uncertain Significance.

Literature cited by the submitters: PubMed 17576681; PubMed 9536098.

NM_018960.6(GNMT):c.594G>A (p.Lys198=)

Genes: CNPY3-GNMT (CNPY3-GNMT readthrough; plus strand), GNMT (glycine N-methyltransferase; plus strand). Cytogenetic location: 6p21.1.
Variant type: single nucleotide variant.
Coding change: c.594G>A on transcript NM_018960.6 (MANE Select); coding-DNA position 594, G replaced by A.
Protein change: p.Lys198=; no amino-acid change (lysine 198 retained).
Molecular consequence: synonymous variant.
Genome position (GRCh38, 1-based): chr6:42,963,214, G>A. VCF-style: chr6-42963214-G-A. GRCh37 (hg19) VCF-style: chr6-42930952-G-A.
Other names: c.396G>A, p.Lys132= (NM_001318856.2); c.411G>A, p.Lys137= (NM_001318857.2); c.303G>A, p.Lys101= (NM_001318858.2); c.537G>A, p.Lys179= (NM_001318865.2).
Identifiers: ClinVar variation 3724100 (VCV003724100.2).